The following is an entry in ClinVar:

NM_000218.3(KCNQ1):c.1514+15178_1514+15191del

Genes: KCNQ1 (potassium voltage-gated channel subfamily Q member 1; plus strand), KCNQ1OT1 (KCNQ1 opposite strand/antisense transcript 1; minus strand). Cytogenetic location: 11p15.5.
Variant type: Deletion.
Coding change: c.1514+15178_1514+15191del on transcript NM_000218.3 (MANE Select); bases 15178 to 15191 of the intron after coding-DNA position 1514, 14 bases deleted (TATAAAGAGGAACT).
Molecular consequence: intron variant. On other transcripts: non-coding transcript variant (1).
Genome position (GRCh38, 1-based): chr11:2,677,259-2,677,272, TATAAAGAGGAACT deleted; deleting any 14 consecutive bases within chr11:2,677,247-2,677,272 gives the same sequence; the c. name uses the placement nearest the transcript's 3' end. VCF-style (leftmost placement, unchanged base first): chr11-2677246-GTAAAGAGGAACTTA-G. GRCh37 (hg19) VCF-style: chr11-2698476-GTAAAGAGGAACTTA-G.
Other names: c.1244+15178_1244+15191del (NM_001406837.1); c.1418+15178_1418+15191del (NM_001406836.1); c.974+15178_974+15191del (NM_001406838.1); c.1133+15178_1133+15191del (NM_181798.2).
Identifiers: ClinVar variation 3905549 (VCV003905549.10).
Genomic context (GRCh38, chr11:2,677,246, plus strand): 5'-TGCTGACTGACCTCTTTGGCTGTCTCTTGTCAACCAAAGACAATATAAAGCACACACAAA[GTAAAGAGGAACTTA>G]TAAAGAGGAACTGTAAATCTTGTCAAAATAGGAGATTTCATCAAGTTAAAGAAAATGATG-3'

ClinVar aggregate classification (germline): Likely benign (1 of 4 stars; one submission).

Submission:

CeGaT Center for Human Genetics Tuebingen
Classification: Likely benign. Last evaluated: 2026-05-01. Review status: criteria provided, single submitter. Criteria: CeGaT Center For Human Genetics Tuebingen Variant Classification Criteria Version 2. Collection method: clinical testing. Allele origin: germline. Affected: yes. Observed: 3 variant alleles.
Comment: KCNQ1OT1: BS1